The following is an entry in ClinVar:

ClinVar aggregate classification (germline): Uncertain significance (1 of 4 stars; one submission).

Conditions:
Congenital disorder of glycosylation, type Ii. Also called: ALG2-CDG; ALG2-congenital disorder of glycosylation; CDG Ii. Identifiers: Orphanet 79326, MedGen C1842836, MONDO:0011933, OMIM 607906.
Congenital myasthenic syndrome 14. Also called: Myasthenic syndrome, congenital, 14, with tubular aggregates. Identifiers: Orphanet 353327, Orphanet 590, MedGen C4015597, MONDO:0014543, OMIM 616228.

Submission:

Labcorp Genetics (formerly Invitae), Labcorp
Classification: Uncertain significance for Congenital disorder of glycosylation, type Ii; Congenital myasthenic syndrome 14. Last evaluated: 2024-05-15. Review status: criteria provided, single submitter. Criteria: Invitae Variant Classification Sherloc (09022015). Collection method: clinical testing. Allele origin: germline.
Comment: This sequence change replaces tryptophan, which is neutral and slightly polar, with arginine, which is basic and polar, at codon 50 of the ALG2 protein (p.Trp50Arg). The frequency data for this variant in the population databases is considered unreliable, as metrics indicate poor data quality at this position in the gnomAD database. This missense change has been observed in individual(s) with clinical features of congenital myasthenic syndrome (Invitae). An algorithm developed to predict the effect of missense changes on protein structure and function (PolyPhen-2) suggests that this variant is likely to be disruptive. In summary, the available evidence is currently insufficient to determine the role of this variant in disease. Therefore, it has been classified as a Variant of Uncertain Significance.

NM_033087.4(ALG2):c.148T>C (p.Trp50Arg)

Gene: ALG2 (ALG2 alpha-1,3/1,6-mannosyltransferase; minus strand). Cytogenetic location: 9q22.33.
Variant type: single nucleotide variant.
Coding change: c.148T>C on transcript NM_033087.4 (MANE Select); coding-DNA position 148, T replaced by C.
Protein change: p.Trp50Arg; replaces tryptophan 50 with arginine.
Molecular consequence: missense variant. On other transcripts: non-coding transcript variant (1).
Genome position (GRCh38, 1-based): chr9:99,221,747, A>G on the plus strand (T>C on the coding strand, the complement: ALG2 is on the minus strand). VCF-style: chr9-99221747-A-G. GRCh37 (hg19) VCF-style: chr9-101984029-A-G.
Other names: short protein forms W50R.
Identifiers: ClinVar variation 3763893 (VCV003763893.2).
Genomic context (GRCh38, chr9:99,221,747, plus strand): 5'-AGCGCACCGGTAGCTCGCGGCTCTCGGCGAAACAGTGGCCCGGGTCGTAGTGCGCTGTCC[A>G]GATCTTCACGCTACACCCGCGCGCCTGCAGCGCCAGCGCCGCGTCCAACACCAGCCGCTC-3'
Protein context (NP_149078.1, residues 40-60): LQARGCSVKI[Trp50Arg]TAHYDPGHCF